The following is an entry in ClinVar:

ClinVar aggregate classification (germline): Uncertain significance (1 of 4 stars; one submission).

Conditions:
Aortic aneurysm, familial thoracic 4 (AAT4). Also called: AORTIC ANEURYSM/AORTIC DISSECTION AND PATENT DUCTUS ARTERIOSUS. Identifiers: MedGen C1851504, MONDO:0007568, OMIM 132900.

Submission:

Labcorp Genetics (formerly Invitae), Labcorp
Classification: Uncertain significance for Aortic aneurysm, familial thoracic 4. Last evaluated: 2025-12-21. Review status: criteria provided, single submitter. Criteria: Invitae Variant Classification Sherloc (09022015). Collection method: clinical testing. Allele origin: germline.
Comment: This sequence change replaces methionine, which is neutral and non-polar, with leucine, which is neutral and non-polar, at codon 934 of the MYH11 protein (p.Met934Leu). This variant is not present in population databases (gnomAD no frequency). This variant has not been reported in the literature in individuals affected with MYH11-related conditions. Invitae Evidence Modeling of protein sequence and biophysical properties (such as structural, functional, and spatial information, amino acid conservation, physicochemical variation, residue mobility, and thermodynamic stability) indicates that this missense variant is not expected to disrupt MYH11 protein function with a negative predictive value of 95%. In summary, the available evidence is currently insufficient to determine the role of this variant in disease. Therefore, it has been classified as a Variant of Uncertain Significance.

NM_002474.3(MYH11):c.2779A>C (p.Met927Leu)

Gene: MYH11 (myosin heavy chain 11; minus strand). Cytogenetic location: 16p13.11.
Variant type: single nucleotide variant.
Coding change: c.2779A>C on transcript NM_002474.3 (MANE Select); coding-DNA position 2779, A replaced by C.
Protein change: p.Met927Leu; replaces methionine 927 with leucine.
Molecular consequence: missense variant.
Genome position (GRCh38, 1-based): chr16:15,741,543, T>G on the plus strand (A>C on the coding strand, the complement: MYH11 is on the minus strand). VCF-style: chr16-15741543-T-G. GRCh37 (hg19) VCF-style: chr16-15835400-T-G.
Other names: c.2800A>C, p.Met934Leu (NM_001040113.2, NM_001040114.2); c.2779A>C, p.Met927Leu (NM_022844.3); short protein forms M927L, M934L.
Identifiers: ClinVar variation 4745880 (VCV004745880.1).